The following is an entry in ClinVar:

ClinVar aggregate classification (germline): Uncertain significance (1 of 4 stars; one submission).

gnomAD v4.1: 26 of 1,613,012 alleles (0.0016%); highest among the groups gnomAD compares: East Asian, 0.049%; no homozygotes.

Submission:

Labcorp Genetics (formerly Invitae), Labcorp
Classification: Uncertain significance. Last evaluated: 2024-11-26. Review status: criteria provided, single submitter. Criteria: Invitae Variant Classification Sherloc (09022015). Collection method: clinical testing. Allele origin: germline.
Comment: This sequence change replaces cysteine, which is neutral and slightly polar, with serine, which is neutral and polar, at codon 372 of the CYP2R1 protein (p.Cys372Ser). This variant is present in population databases (rs199858102, gnomAD 0.05%). This variant has not been reported in the literature in individuals affected with CYP2R1-related conditions. An algorithm developed to predict the effect of missense changes on protein structure and function (PolyPhen-2) suggests that this variant is likely to be disruptive. In summary, the available evidence is currently insufficient to determine the role of this variant in disease. Therefore, it has been classified as a Variant of Uncertain Significance.

NM_024514.5(CYP2R1):c.1115G>C (p.Cys372Ser)

Genes: CYP2R1 (cytochrome P450 family 2 subfamily R member 1; minus strand), PDE3B (phosphodiesterase 3B; plus strand). Cytogenetic location: 11p15.2.
Variant type: single nucleotide variant.
Coding change: c.1115G>C on transcript NM_024514.5 (MANE Select); coding-DNA position 1115, G replaced by C.
Protein change: p.Cys372Ser; replaces cysteine 372 with serine.
Molecular consequence: missense variant. On other transcripts: intron variant (2).
Genome position (GRCh38, 1-based): chr11:14,879,329, C>G on the plus strand (G>C on the coding strand, the complement: CYP2R1 is on the minus strand). VCF-style: chr11-14879329-C-G. GRCh37 (hg19) VCF-style: chr11-14900875-C-G.
Other names: c.770G>C, p.Cys257Ser (NM_001400559.1, NM_001400560.1, NM_001400561.1 and 5 more transcripts); c.416G>C, p.Cys139Ser (NM_001400562.1, NM_001400563.1, NM_001400564.1 and 1 more transcripts); c.137G>C, p.Cys46Ser (NM_001400566.1); c.971G>C, p.Cys324Ser (NM_001400567.1); c.1070G>C, p.Cys357Ser (NM_001400568.1); c.2886+17963C>G (NM_001429700.1, NM_001429699.1); c.953G>C, p.Cys318Ser (NM_001377217.1); short protein forms C324S, C257S, C318S, C357S, C372S, C139S, C46S.
Identifiers: ClinVar variation 3707042 (VCV003707042.2).